The following is an entry in ClinVar:

ClinVar aggregate classification (germline): Uncertain significance. Review status: criteria provided, multiple submitters, no conflicts (2 of 4 stars). 2 submissions from 2 submitters: Uncertain significance (2). Last evaluated 2021-10-18.

Conditions:
Hereditary cancer-predisposing syndrome. Also called: Tumor predisposition; Hereditary Cancer Syndrome; Hereditary neoplastic syndrome; Neoplastic Syndromes, Hereditary. Identifiers: Orphanet 140162, MedGen C0027672, MeSH D009386, MONDO:0015356.
Familial cancer of breast. Also called: BREAST CANCER, FAMILIAL; Hereditary breast cancer; hereditary breast carcinoma. Identifiers: Orphanet 227535, MedGen C0346153, MONDO:0016419, OMIM 114480. Disease mechanism: loss of function.

Submissions (2):

Ambry Genetics
Classification: Uncertain significance for Hereditary cancer-predisposing syndrome. Last evaluated: 2021-10-18. Review status: criteria provided, single submitter. Criteria: Ambry Variant Classification Scheme 2023. Collection method: clinical testing. Allele origin: germline.
Comment: The p.E263D variant (also known as c.789A>T), located in coding exon 4 of the PALB2 gene, results from an A to T substitution at nucleotide position 789. The glutamic acid at codon 263 is replaced by aspartic acid, an amino acid with highly similar properties. This amino acid position is conserved. In addition, this alteration is predicted to be tolerated by in silico analysis. Since supporting evidence is limited at this time, the clinical significance of this alteration remains unclear.

Labcorp Genetics (formerly Invitae), Labcorp
Classification: Uncertain significance for Familial cancer of breast. Last evaluated: 2016-12-11. Review status: criteria provided, single submitter. Criteria: Invitae Variant Classification Sherloc (09022015). Collection method: clinical testing. Allele origin: germline.
Comment: This sequence change replaces glutamic acid with aspartic acid at codon 263 of the PALB2 protein (p.Glu263Asp). The glutamic acid residue is moderately conserved and there is a small physicochemical difference between glutamic acid and aspartic acid. This variant is not present in population databases (ExAC no frequency) and has not been reported in the literature in individuals with a PALB2-related disease. Algorithms developed to predict the effect of missense changes on protein structure and function output the following: (SIFT: "Tolerated"; PolyPhen-2: "Benign"; Align-GVGD: "Class C0"). The aspartic acid amino acid residue is found in multiple mammalian species, suggesting that this missense change does not adversely affect protein function. These predictions have not been confirmed by published functional studies. In summary, this variant is a novel missense change that is not predicted to affect protein function. There is no indication that it causes disease, but the available evidence is currently insufficient to prove that conclusively. Therefore, it has been classified as a Variant of Uncertain Significance.

NM_024675.4(PALB2):c.789A>T (p.Glu263Asp)

Gene: PALB2 (partner and localizer of BRCA2; minus strand). Cytogenetic location: 16p12.2.
Variant type: single nucleotide variant.
Coding change: c.789A>T on transcript NM_024675.4 (MANE Select); coding-DNA position 789, A replaced by T.
Protein change: p.Glu263Asp; replaces glutamic acid 263 with aspartic acid.
Molecular consequence: missense variant.
Genome position (GRCh38, 1-based): chr16:23,635,757, T>A on the plus strand (A>T on the coding strand, the complement: PALB2 is on the minus strand). VCF-style: chr16-23635757-T-A. GRCh37 (hg19) VCF-style: chr16-23647078-T-A.
Other names: short protein forms E263D.
Identifiers: ClinVar variation 410123 (VCV000410123.12), dbSNP rs1060502743, ClinGen allele CA16615286.